The following is an entry in ClinVar:

NM_001690.4(ATP6V1A):c.656A>C (p.Glu219Ala)

Gene: ATP6V1A (ATPase H+ transporting V1 subunit A; plus strand). Cytogenetic location: 3q13.31.
Variant type: single nucleotide variant.
Coding change: c.656A>C on transcript NM_001690.4 (MANE Select); coding-DNA position 656, A replaced by C.
Protein change: p.Glu219Ala; replaces glutamic acid 219 with alanine.
Molecular consequence: missense variant.
Genome position (GRCh38, 1-based): chr3:113,786,323, A>C. VCF-style: chr3-113786323-A-C. GRCh37 (hg19) VCF-style: chr3-113505170-A-C.
Other names: short protein forms E219A.
Identifiers: ClinVar variation 2504525 (VCV002504525.1), dbSNP rs2549720474, ClinGen allele CA354010958.

ClinVar aggregate classification (germline): Uncertain significance (1 of 4 stars; one submission).

Submission:

GeneDx
Classification: Uncertain significance. Last evaluated: 2022-11-30. Review status: criteria provided, single submitter. Criteria: GeneDx Variant Classification Process June 2021. Collection method: clinical testing. Allele origin: germline. Affected: yes.
Comment: Not observed at significant frequency in large population cohorts (gnomAD); In silico analysis supports that this missense variant has a deleterious effect on protein structure/function; Has not been previously published as pathogenic or benign to our knowledge